The following is an entry in ClinVar:

ClinVar aggregate classification (germline): Likely pathogenic. Review status: criteria provided, single submitter (1 of 4 stars). 2 submissions from 2 submitters: Likely pathogenic (1). 1 of the submissions does not count toward it. Last evaluated 2017-05-09.

Conditions:
Asphyxiating thoracic dystrophy 2 (SRTD2). Also called: SHORT-RIB THORACIC DYSPLASIA 2 WITH OR WITHOUT POLYDACTYLY; SHORT-RIB THORACIC DYSPLASIA 2 WITH POLYDACTYLY; SHORT-RIB THORACIC DYSPLASIA 2 WITHOUT POLYDACTYLY. Identifiers: Orphanet 474, MedGen C1970005, MONDO:0012644, OMIM 611263.

Submissions (2):

GeneDx
Classification: Likely pathogenic. Last evaluated: 2017-05-09. Review status: criteria provided, single submitter. Criteria: GeneDx Variant Classification (06012015). Collection method: clinical testing. Allele origin: germline. Affected: yes.
Comment: The c.1646_1648delTAT variant in the IFT80 gene has been reported previously in the homozygous state in a stillborn with Jeune asphyxiating thoracic dystrophy (Beales et al., 2007). The c.1646_1648delTAT variant causes an in-frame deletion of codon Leucine 549, denoted p.Leu549del. The c.1646_1648delTAT variant is not observed at a significant frequency in large population cohorts (Lek et al., 2016; 1000 Genomes Consortium et al., 2015; Exome Variant Server). We interpret c.1646_1648delTAT as a likely pathogenic variant.

OMIM
Classification: Pathogenic for SHORT-RIB THORACIC DYSPLASIA 2 WITHOUT POLYDACTYLY. Last evaluated: 2007-06-01. Review status: no assertion criteria provided. Collection method: literature only. Allele origin: germline. Not counted in ClinVar's aggregate classification.

Literature cited by the submitters: PubMed 17468754 (cited by OMIM).

NM_020800.3(IFT80):c.1646_1648del (p.Leu549del)

Genes: IFT80 (intraflagellar transport 80; minus strand), TRIM59-IFT80 (TRIM59-IFT80 protein; minus strand). Cytogenetic location: 3q25.33.
Variant type: Deletion.
Coding change: c.1646_1648del on transcript NM_020800.3 (MANE Select); coding-DNA positions 1646 to 1648, 3 bases deleted (TAT; older notation c.1646_1648delTAT).
Protein change: p.Leu549del; deletes leucine 549.
Molecular consequence: inframe deletion. On other transcripts: non-coding transcript variant (3).
Genome position (GRCh38, 1-based): chr3:160,280,683-160,280,685, ATA deleted on the plus strand (TAT on the coding strand, the reverse complement: IFT80 is on the minus strand); deleting any 3 consecutive bases within chr3:160,280,683-160,280,687 gives the same sequence; the c. name uses the placement nearest the transcript's 3' end. VCF-style (leftmost placement, unchanged base first): chr3-160280682-TATA-T. GRCh37 (hg19) VCF-style: chr3-159998470-TATA-T.
Other names: c.1646_1648delTAT (NM_020800.2); c.1235_1237del, p.Leu412del (NM_001190241.2, NM_001190242.2); short protein forms L549del, L412del.
Identifiers: ClinVar variation 429428 (VCV000429428.2), dbSNP rs431905497, ClinGen allele CA114703.